The following is an entry in ClinVar:

NM_033028.5(BBS4):c.77-210_77-209del

Gene: BBS4 (Bardet-Biedl syndrome 4; plus strand). Cytogenetic location: 15q24.1.
Variant type: Deletion.
Coding change: c.77-210_77-209del on transcript NM_033028.5 (MANE Select); 210 bases into the intron before coding-DNA position 77 through 209 bases into the intron before coding-DNA position 77, 2 bases deleted (GA; older notation c.77-210_77-209delGA).
Molecular consequence: intron variant.
Genome position (GRCh38, 1-based): chr15:72,709,490-72,709,491, GA deleted; deleting any 2 consecutive bases within chr15:72,709,489-72,709,491 gives the same sequence; the c. name uses the placement nearest the transcript's 3' end. VCF-style (leftmost placement, unchanged base first): chr15-72709488-AAG-A. GRCh37 (hg19) VCF-style: chr15-73001829-AAG-A.
Other names: c.77-210_77-209del (NM_001320665.2); c.-445-210_-445-209del (NM_001252678.2).
Identifiers: ClinVar variation 3051767 (VCV003051767.2), dbSNP rs1243958275, ClinGen allele CA715506563.

ClinVar aggregate classification (germline): Likely benign (0 of 4 stars; one submission).

Conditions:
BBS4-related disorder. Also called: BBS4-related condition.

Submission:

PreventionGenetics, part of Exact Sciences
Classification: Likely benign for BBS4-related condition. Last evaluated: 2023-10-04. Review status: no assertion criteria provided. Collection method: clinical testing. Allele origin: germline.
Comment: This variant is classified as likely benign based on ACMG/AMP sequence variant interpretation guidelines (Richards et al. 2015 PMID: 25741868, with internal and published modifications).